The following is an entry in ClinVar:

NM_001611.5(ACP5):c.91G>A (p.Val31Met)

Gene: ACP5 (acid phosphatase 5, tartrate resistant; minus strand). Cytogenetic location: 19p13.2.
Variant type: single nucleotide variant.
Coding change: c.91G>A on transcript NM_001611.5 (MANE Select); coding-DNA position 91, G replaced by A.
Protein change: p.Val31Met; replaces valine 31 with methionine.
Molecular consequence: missense variant.
Genome position (GRCh38, 1-based): chr19:11,577,227, C>T on the plus strand (G>A on the coding strand, the complement: ACP5 is on the minus strand). VCF-style: chr19-11577227-C-T. GRCh37 (hg19) VCF-style: chr19-11688042-C-T.
Other names: c.91G>A, p.Val31Met (NM_001111034.3, NM_001111035.3, NM_001111036.3 and 1 more transcripts); short protein forms V31M.
Identifiers: ClinVar variation 956053 (VCV000956053.7), dbSNP rs765947561, ClinGen allele CA9215526.

ClinVar aggregate classification (germline): Uncertain significance (1 of 4 stars; one submission).

Conditions:
Spondyloenchondrodysplasia with immune dysregulation (SPENCDI). Also called: COMBINED IMMUNODEFICIENCY WITH AUTOIMMUNITY AND SPONDYLOMETAPHYSEAL DYSPLASIA; ROIFMAN IMMUNOSKELETAL SYNDROME; SPONDYLOENCHONDRODYSPLASIA WITH OR WITHOUT IMMUNE DYSREGULATION. Identifiers: Orphanet 1855, MedGen C1842763, MONDO:0011939, OMIM 607944.

Allele frequency attached by ClinVar (database versions not stated): gnomAD 0.00001; gnomAD exomes 0.00001 and 0.00002; TOPMed 0.00001; ExAC 0.00002.
gnomAD v4.1: 23 of 1,614,026 alleles (0.0014%); highest among the groups gnomAD compares: East Asian, 0.011%; no homozygotes.

Submission:

Labcorp Genetics (formerly Invitae), Labcorp
Classification: Uncertain significance for Spondyloenchondrodysplasia with immune dysregulation. Last evaluated: 2022-08-20. Review status: criteria provided, single submitter. Criteria: Invitae Variant Classification Sherloc (09022015). Collection method: clinical testing. Allele origin: germline.
Comment: This sequence change replaces valine, which is neutral and non-polar, with methionine, which is neutral and non-polar, at codon 31 of the ACP5 protein (p.Val31Met). This variant is present in population databases (rs765947561, gnomAD 0.01%). This variant has not been reported in the literature in individuals affected with ACP5-related conditions. ClinVar contains an entry for this variant (Variation ID: 956053). Algorithms developed to predict the effect of missense changes on protein structure and function are either unavailable or do not agree on the potential impact of this missense change (SIFT: "Not Available"; PolyPhen-2: "Benign"; Align-GVGD: "Not Available"). In summary, the available evidence is currently insufficient to determine the role of this variant in disease. Therefore, it has been classified as a Variant of Uncertain Significance.